The following is an entry in ClinVar:

NM_016156.6(MTMR2):c.721C>T (p.Pro241Ser)

Gene: MTMR2 (myotubularin related protein 2; minus strand). Cytogenetic location: 11q21.
Variant type: single nucleotide variant.
Coding change: c.721C>T on transcript NM_016156.6 (MANE Select); coding-DNA position 721, C replaced by T.
Protein change: p.Pro241Ser; replaces proline 241 with serine.
Molecular consequence: missense variant.
Genome position (GRCh38, 1-based): chr11:95,850,683, G>A on the plus strand (C>T on the coding strand, the complement: MTMR2 is on the minus strand). VCF-style: chr11-95850683-G-A. GRCh37 (hg19) VCF-style: chr11-95583847-G-A.
Other names: c.505C>T, p.Pro169Ser (NM_001243571.2, NM_201278.3, NM_201281.3); short protein forms P169S, P241S.
Identifiers: ClinVar variation 862213 (VCV000862213.11), dbSNP rs540766159, ClinGen allele CA6240238.
Genomic context (GRCh38, chr11:95,850,683, plus strand): 5'-AGGATGCCACTCTCTTTAATTCTTCATCAGGAATATTTGCTGGCACAACCAGGAGGGCAG[G>A]GTATGTATCACAAAGTTCATATCGTTCATTTATCTTTGTTATTCTCCAGCTTTCATTTGG-3'
Protein context (NP_057240.3, residues 231-251): NERYELCDTY[Pro241Ser]ALLVVPANIP

ClinVar aggregate classification (germline): Uncertain significance. Review status: criteria provided, multiple submitters, no conflicts (2 of 4 stars). 2 submissions from 2 submitters: Uncertain significance (2). Last evaluated 2023-12-29.

Conditions:
Charcot-Marie-Tooth disease type 4. Also called: Charcot-Marie-Tooth disease, type IV; Charcot-Marie-Tooth, Type 4. Identifiers: Orphanet 64749, MedGen C4082197, MONDO:0018995.

Allele frequency attached by ClinVar (database versions not stated): TOPMed below 0.00001; gnomAD 0.00001; ExAC 0.00009; 1000 Genomes Project 30x 0.00062; 1000 Genomes Project 0.00080.

Submissions (2):

Blueprint Genetics
Classification: Uncertain significance. Last evaluated: 2023-12-29. Review status: criteria provided, single submitter. Criteria: ACMG Guidelines, 2015. Collection method: clinical testing. Allele origin: germline.

Labcorp Genetics (formerly Invitae), Labcorp
Classification: Uncertain significance for Charcot-Marie-Tooth disease type 4. Last evaluated: 2021-08-24. Review status: criteria provided, single submitter. Criteria: Invitae Variant Classification Sherloc (09022015). Collection method: clinical testing. Allele origin: germline.
Comment: In summary, the available evidence is currently insufficient to determine the role of this variant in disease. Therefore, it has been classified as a Variant of Uncertain Significance. Algorithms developed to predict the effect of missense changes on protein structure and function (SIFT, PolyPhen-2, Align-GVGD) all suggest that this variant is likely to be disruptive, but these predictions have not been confirmed by published functional studies and their clinical significance is uncertain. This variant has not been reported in the literature in individuals with MTMR2-related conditions. This variant is present in population databases (rs540766159, ExAC 0.07%). This sequence change replaces proline with serine at codon 241 of the MTMR2 protein (p.Pro241Ser). The proline residue is highly conserved and there is a moderate physicochemical difference between proline and serine.